The following is an entry in ClinVar:

NM_001376.5(DYNC1H1):c.8578A>G (p.Asn2860Asp)

Gene: DYNC1H1 (dynein cytoplasmic 1 heavy chain 1; plus strand). Cytogenetic location: 14q32.31.
Variant type: single nucleotide variant.
Coding change: c.8578A>G on transcript NM_001376.5 (MANE Select); coding-DNA position 8578, A replaced by G.
Protein change: p.Asn2860Asp; replaces asparagine 2860 with aspartic acid.
Molecular consequence: missense variant.
Genome position (GRCh38, 1-based): chr14:102,022,821, A>G. VCF-style: chr14-102022821-A-G. GRCh37 (hg19) VCF-style: chr14-102489158-A-G.
Other names: short protein forms N2860D.
Identifiers: ClinVar variation 3697030 (VCV003697030.2).

ClinVar aggregate classification (germline): Uncertain significance (1 of 4 stars; one submission).

Conditions:
Charcot-Marie-Tooth disease axonal type 2O. Also called: CHARCOT-MARIE-TOOTH NEUROPATHY, AXONAL, TYPE 2O; CHARCOT-MARIE-TOOTH DISEASE, AXONAL, AUTOSOMAL DOMINANT, TYPE 2O; Charcot-Marie-Tooth Neuropathy Type 2O; Charcot-Marie-Tooth disease, axonal, type 20. Identifiers: Orphanet 284232, MedGen C3280220, MONDO:0013644, OMIM 614228.

Submission:

Labcorp Genetics (formerly Invitae), Labcorp
Classification: Uncertain significance for Charcot-Marie-Tooth disease axonal type 2O. Last evaluated: 2024-07-08. Review status: criteria provided, single submitter. Criteria: Invitae Variant Classification Sherloc (09022015). Collection method: clinical testing. Allele origin: germline.
Comment: This sequence change replaces asparagine, which is neutral and polar, with aspartic acid, which is acidic and polar, at codon 2860 of the DYNC1H1 protein (p.Asn2860Asp). This variant is not present in population databases (gnomAD no frequency). This variant has not been reported in the literature in individuals affected with DYNC1H1-related conditions. Advanced modeling of protein sequence and biophysical properties (such as structural, functional, and spatial information, amino acid conservation, physicochemical variation, residue mobility, and thermodynamic stability) performed at Invitae indicates that this missense variant is not expected to disrupt DYNC1H1 protein function with a negative predictive value of 95%. In summary, the available evidence is currently insufficient to determine the role of this variant in disease. Therefore, it has been classified as a Variant of Uncertain Significance.